The following is an entry in ClinVar:

NM_020964.3(EPG5):c.6456A>G (p.Ser2152=)

Gene: EPG5 (ectopic P-granules 5 autophagy tethering factor; minus strand). Cytogenetic location: 18q12.3.
Variant type: single nucleotide variant.
Coding change: c.6456A>G on transcript NM_020964.3 (MANE Select); coding-DNA position 6456, A replaced by G.
Protein change: p.Ser2152=; no amino-acid change (serine 2152 retained).
Molecular consequence: synonymous variant.
Genome position (GRCh38, 1-based): chr18:45,866,963, T>C on the plus strand (A>G on the coding strand, the complement: EPG5 is on the minus strand). VCF-style: chr18-45866963-T-C. GRCh37 (hg19) VCF-style: chr18-43446928-T-C.
Other names: c.6456A>G, p.Ser2152= (NM_001410858.1); c.6453A>G, p.Ser2151= (NM_001410859.1).
Identifiers: ClinVar variation 1960783 (VCV001960783.9), dbSNP rs760372673, ClinGen allele CA8948261.

ClinVar aggregate classification (germline): Likely benign. Review status: criteria provided, multiple submitters, no conflicts (2 of 4 stars). 2 submissions from 2 submitters: Likely benign (2). Last evaluated 2026-03-01.

Conditions:
Vici syndrome (VICIS). Identifiers: Orphanet 1493, MedGen C1855772, MONDO:0009452, OMIM 242840.

gnomAD v4.1: 13 of 1,614,044 alleles (0.00081%); highest among the groups gnomAD compares: Middle Eastern, 0.033%; no homozygotes.

Submissions (2):

CeGaT Center for Human Genetics Tuebingen
Classification: Likely benign. Last evaluated: 2026-03-01. Review status: criteria provided, single submitter. Criteria: CeGaT Center For Human Genetics Tuebingen Variant Classification Criteria Version 2. Collection method: clinical testing. Allele origin: germline. Affected: yes. Observed: 1 variant allele.
Comment: EPG5: BP4, BP7

Labcorp Genetics (formerly Invitae), Labcorp
Classification: Likely benign for Vici syndrome. Last evaluated: 2023-11-28. Review status: criteria provided, single submitter. Criteria: Invitae Variant Classification Sherloc (09022015). Collection method: clinical testing. Allele origin: germline.